The following is an entry in ClinVar:

NM_007186.6(CEP250):c.5569C>T (p.Arg1857Cys)

Gene: CEP250 (centrosomal protein 250; plus strand). Cytogenetic location: 20q11.22.
Variant type: single nucleotide variant.
Coding change: c.5569C>T on transcript NM_007186.6 (MANE Select); coding-DNA position 5569, C replaced by T.
Protein change: p.Arg1857Cys; replaces arginine 1857 with cysteine.
Molecular consequence: missense variant.
Genome position (GRCh38, 1-based): chr20:35,503,938, C>T. VCF-style: chr20-35503938-C-T. GRCh37 (hg19) VCF-style: chr20-34091766-C-T.
Other names: c.3673C>T, p.Arg1225Cys (NM_001318219.1); short protein forms R1225C, R1857C.
Identifiers: ClinVar variation 2416586 (VCV002416586.2), dbSNP rs147955015, ClinGen allele CA9833895.

ClinVar aggregate classification (germline): Uncertain significance (1 of 4 stars; one submission).

Allele frequency attached by ClinVar (database versions not stated): gnomAD exomes 0.00003; ExAC 0.00014; TOPMed 0.00029; gnomAD 0.00030; ESP Exome Variant Server 0.00046; 1000 Genomes Project 30x 0.00078; 1000 Genomes Project 0.00080.
gnomAD v4.1: 97 of 1,613,170 alleles (0.006%); highest among the groups gnomAD compares: African/African-American, 0.1%; 1 homozygote.

Submission:

Labcorp Genetics (formerly Invitae), Labcorp
Classification: Uncertain significance. Last evaluated: 2022-07-29. Review status: criteria provided, single submitter. Criteria: Invitae Variant Classification Sherloc (09022015). Collection method: clinical testing. Allele origin: germline.
Comment: This sequence change replaces arginine, which is basic and polar, with cysteine, which is neutral and slightly polar, at codon 1857 of the CEP250 protein (p.Arg1857Cys). This variant is present in population databases (rs147955015, gnomAD 0.1%). This missense change has been observed in individual(s) with clinical features of Usher syndrome (Invitae). Algorithms developed to predict the effect of missense changes on protein structure and function output the following: SIFT: "Not Available"; PolyPhen-2: "Benign"; Align-GVGD: "Not Available". The cysteine amino acid residue is found in multiple mammalian species, which suggests that this missense change does not adversely affect protein function. In summary, the available evidence is currently insufficient to determine the role of this variant in disease. Therefore, it has been classified as a Variant of Uncertain Significance.